The following is an entry in ClinVar:

NM_003630.3(PEX3):c.456+25C>T

Gene: PEX3 (peroxisomal biogenesis factor 3; plus strand). Cytogenetic location: 6q24.2.
Variant type: single nucleotide variant.
Coding change: c.456+25C>T on transcript NM_003630.3 (MANE Select); 25 bases into the intron after coding-DNA position 456, C replaced by T.
Molecular consequence: intron variant.
Genome position (GRCh38, 1-based): chr6:143,471,110, C>T. VCF-style: chr6-143471110-C-T. GRCh37 (hg19) VCF-style: chr6-143792247-C-T.
Other names: p.?.
Identifiers: ClinVar variation 4683223 (VCV004683223.1).
Genomic context (GRCh38, chr6:143,471,110, plus strand): 5'-TACCTGGATAATGCAGCAGTTGGCAAAAATGGCACTGTAAGTTTAATAGACTTAAATAGA[C>T]ATTGTTCTTTCCCTCAGGAGGTTCAAAGTTTAACTTATTTATCCTGATAACAATTTCTAT-3'

ClinVar aggregate classification (germline): Likely benign (1 of 4 stars; one submission).

gnomAD v4.1: 54 of 1,606,442 alleles (0.0034%); highest among the groups gnomAD compares: Admixed American, 0.09%; no homozygotes.

Submission:

Mayo Clinic Laboratories, Mayo Clinic
Classification: Likely benign. Last evaluated: 2025-06-24. Review status: criteria provided, single submitter. Criteria: ACMG Guidelines, 2015. Collection method: clinical testing. Allele origin: germline. Observed: 1 variant allele.
Comment: BS1, BP4, BP7